The following is an entry in ClinVar:

NM_080680.3(COL11A2):c.1283G>C (p.Arg428Thr)

Gene: COL11A2 (collagen type XI alpha 2 chain; minus strand). Cytogenetic location: 6p21.32.
Variant type: single nucleotide variant.
Coding change: c.1283G>C on transcript NM_080680.3 (MANE Select); coding-DNA position 1283, G replaced by C.
Protein change: p.Arg428Thr; replaces arginine 428 with threonine.
Molecular consequence: missense variant.
Genome position (GRCh38, 1-based): chr6:33,180,669, C>G on the plus strand (G>C on the coding strand, the complement: COL11A2 is on the minus strand). VCF-style: chr6-33180669-C-G. GRCh37 (hg19) VCF-style: chr6-33148446-C-G.
Other names: c.1103G>C, p.Arg368Thr (NM_001424108.1); c.437G>C, p.Arg146Thr (NM_001424109.1); c.257G>C, p.Arg86Thr (NM_001424110.1, NM_001424111.1); c.962G>C, p.Arg321Thr (NM_080679.3); c.1025G>C, p.Arg342Thr (NM_080681.3); short protein forms R146T, R321T, R342T, R368T, R428T, R86T.
Identifiers: ClinVar variation 3372358 (VCV003372358.1).

ClinVar aggregate classification (germline): Uncertain significance (1 of 4 stars; one submission).

Submission:

GeneDx
Classification: Uncertain significance. Last evaluated: 2024-04-11. Review status: criteria provided, single submitter. Criteria: GeneDx Variant Classification Process June 2021. Collection method: clinical testing. Allele origin: germline. Affected: yes.
Comment: Not observed at significant frequency in large population cohorts (gnomAD); In silico analysis supports that this missense variant has a deleterious effect on protein structure/function; Has not been previously published as pathogenic or benign to our knowledge